The following is an entry in ClinVar:

NM_004958.4(MTOR):c.6017_6025del (p.Val2006_Gln2008del)

Gene: MTOR (mechanistic target of rapamycin kinase; minus strand). Cytogenetic location: 1p36.22.
Variant type: Deletion.
Coding change: c.6017_6025del on transcript NM_004958.4 (MANE Select); coding-DNA positions 6017 to 6025, 9 bases deleted (TCCAGCAGG; older notation c.6017_6025delTCCAGCAGG).
Protein change: p.Val2006_Gln2008del.
Molecular consequence: inframe indel (on NM_004958.3).
Genome position (GRCh38, 1-based): chr1:11,128,012-11,128,020, CCTGCTGGA deleted on the plus strand (TCCAGCAGG on the coding strand, the reverse complement: MTOR is on the minus strand); deleting any 9 consecutive bases within chr1:11,128,012-11,128,022 gives the same sequence; the c. name uses the placement nearest the transcript's 3' end. VCF-style (leftmost placement, unchanged base first): chr1-11128011-GCCTGCTGGA-G. GRCh37 (hg19) VCF-style: chr1-11188068-GCCTGCTGGA-G.
Other names: c.6017_6025del, p.Val2006_Gln2008del (NM_001386500.1); c.4769_4777del, p.Val1590_Gln1592del (NM_001386501.1); c.6015_6023delGGTCCAGCA, p.Val2006_Gln2008del (NM_004958.3).
Identifiers: ClinVar variation 3360431 (VCV003360431.1).

ClinVar aggregate classification (germline): Uncertain significance (1 of 4 stars; one submission).

Submission:

GeneDx
Classification: Uncertain significance. Last evaluated: 2023-06-30. Review status: criteria provided, single submitter. Criteria: GeneDx Variant Classification Process June 2021. Collection method: clinical testing. Allele origin: germline. Affected: yes.
Comment: Not observed at significant frequency in large population cohorts (gnomAD); In-frame deletion of 3 amino acids in a non-repeat region; In silico analysis supports that this variant does not alter protein structure/function; Has not been previously published as pathogenic or benign to our knowledge